The following is an entry in ClinVar:

ClinVar aggregate classification (germline): Uncertain significance. Review status: criteria provided, multiple submitters, no conflicts (2 of 4 stars). 2 submissions from 2 submitters: Uncertain significance (2). Last evaluated 2026-01-21.

Conditions:
Inborn genetic diseases. Identifiers: MedGen C0950123, MeSH D030342.

Allele frequency attached by ClinVar (database versions not stated): gnomAD 0.00001; TOPMed 0.00003.
gnomAD v4.1: 1 of 1,612,606 alleles (0.000062%); highest among the groups gnomAD compares: Non-Finnish European, 0.000085%; no homozygotes.

Submissions (2):

Labcorp Genetics (formerly Invitae), Labcorp
Classification: Uncertain significance. Last evaluated: 2026-01-21. Review status: criteria provided, single submitter. Criteria: Invitae Variant Classification Sherloc (09022015). Collection method: clinical testing. Allele origin: germline.
Comment: This sequence change replaces isoleucine, which is neutral and non-polar, with threonine, which is neutral and polar, at codon 901 of the SAMD9L protein (p.Ile901Thr). This variant is not present in population databases (gnomAD no frequency). This variant has not been reported in the literature in individuals affected with SAMD9L-related conditions. ClinVar contains an entry for this variant (Variation ID: 1476480). Invitae Evidence Modeling of protein sequence and biophysical properties (such as structural, functional, and spatial information, amino acid conservation, physicochemical variation, residue mobility, and thermodynamic stability) indicates that this missense variant is not expected to disrupt SAMD9L protein function with a negative predictive value of 80%. In summary, the available evidence is currently insufficient to determine the role of this variant in disease. Therefore, it has been classified as a Variant of Uncertain Significance.

Ambry Genetics
Classification: Uncertain significance for Inborn genetic diseases. Last evaluated: 2024-11-21. Review status: criteria provided, single submitter. Criteria: Ambry Variant Classification Scheme 2023. Collection method: clinical testing. Allele origin: germline.
Comment: The p.I901T variant (also known as c.2702T>C), located in coding exon 1 of the SAMD9L gene, results from a T to C substitution at nucleotide position 2702. The isoleucine at codon 901 is replaced by threonine, an amino acid with similar properties. This amino acid position is conserved. In addition, the in silico prediction for this alteration is inconclusive. Based on the available evidence, the clinical significance of this variant remains unclear.

NM_152703.5(SAMD9L):c.2702T>C (p.Ile901Thr)

Gene: SAMD9L (sterile alpha motif domain containing 9 like; minus strand). Cytogenetic location: 7q21.2.
Variant type: single nucleotide variant.
Coding change: c.2702T>C on transcript NM_152703.5 (MANE Select); coding-DNA position 2702, T replaced by C.
Protein change: p.Ile901Thr; replaces isoleucine 901 with threonine.
Molecular consequence: missense variant.
Genome position (GRCh38, 1-based): chr7:93,133,270, A>G on the plus strand (T>C on the coding strand, the complement: SAMD9L is on the minus strand). VCF-style: chr7-93133270-A-G. GRCh37 (hg19) VCF-style: chr7-92762583-A-G.
Other names: c.2702T>C, p.Ile901Thr (NM_001303496.3, NM_001303497.3, NM_001303498.3 and 5 more transcripts); c.2702T>C (NM_152703.2); short protein forms I901T.
Identifiers: ClinVar variation 1476480 (VCV001476480.7), dbSNP rs916578883, ClinGen allele CA161960104.
Genomic context (GRCh38, chr7:93,133,270, plus strand): 5'-AGTTGTGCTTCCTTGCTGTCAACATCCTGTCCTTTTAGGATATTCCTGACTACATTTTCT[A>G]TATATGTTTCATCAAAATTGCTTTTCATGATCATGAAGGAATAAAAGTTTTCACAGTTCT-3'
Protein context (NP_689916.2, residues 891-911): IMKSNFDETY[Ile901Thr]ENVVRNILKG